The following is an entry in ClinVar:

NM_000081.4(LYST):c.1902dup (p.Ala635fs)

Gene: LYST (lysosomal trafficking regulator; minus strand). Cytogenetic location: 1q42.3.
Variant type: Duplication.
Coding change: c.1902dup on transcript NM_000081.4 (MANE Select); coding-DNA position 1902, one base duplicated (A; older notation c.1902dupA).
Protein change: p.Ala635fs; shifts the reading frame from alanine 635.
Molecular consequence: frameshift variant.
Genome position (GRCh38, 1-based): chr1:235,808,916, T duplicated on the plus strand (A on the coding strand, the reverse complement: LYST is on the minus strand); the first of 6 consecutive T bases (chr1:235,808,916-235,808,921); duplicating any one gives the same sequence. VCF-style (leftmost placement, unchanged base first): chr1-235808915-C-CT. GRCh37 (hg19) VCF-style: chr1-235972215-C-CT.
Other names: c.1902dup, p.Ala635fs (NM_001301365.1); short protein forms A635fs.
Identifiers: ClinVar variation 3811 (VCV000003811.7), dbSNP rs80338646, ClinGen allele CA116448.

ClinVar aggregate classification (germline): Pathogenic. Review status: criteria provided, single submitter (1 of 4 stars). 3 submissions from 3 submitters: Pathogenic (1). 2 of the submissions do not count toward it. Last evaluated 2023-07-13.

Conditions:
Chédiak-Higashi syndrome (CHS). Also called: Chediak-Higashi Syndrome. Identifiers: Orphanet 167, MedGen C0007965, MONDO:0008963, OMIM 214500.
CHEDIAK-HIGASHI SYNDROME, CHILDHOOD TYPE. Identifiers: MedGen C4016992.

Submissions (3):

Labcorp Genetics (formerly Invitae), Labcorp
Classification: Pathogenic for Chédiak-Higashi syndrome. Last evaluated: 2023-07-13. Review status: criteria provided, single submitter. Criteria: Invitae Variant Classification Sherloc (09022015). Collection method: clinical testing. Allele origin: germline.
Comment: For these reasons, this variant has been classified as Pathogenic. ClinVar contains an entry for this variant (Variation ID: 3811). This premature translational stop signal has been observed in individual(s) with Chediak–Higashi syndrome (PMID: 9215679). This variant is not present in population databases (gnomAD no frequency). This sequence change creates a premature translational stop signal (p.Ala635Serfs*4) in the LYST gene. It is expected to result in an absent or disrupted protein product. Loss-of-function variants in LYST are known to be pathogenic (PMID: 9215679, 11857544).

OMIM
Classification: Pathogenic for CHEDIAK-HIGASHI SYNDROME, CHILDHOOD TYPE. Last evaluated: 1997-07-01. Review status: no assertion criteria provided. Collection method: literature only. Allele origin: germline. Not counted in ClinVar's aggregate classification.

GeneReviews
No classification provided. Condition: Chédiak-Higashi syndrome. Review status: no classification provided. Collection method: literature only. Allele origin: germline. Not counted in ClinVar's aggregate classification.

Literature cited by the submitters: PubMed 9215679 (cited by Labcorp Genetics (formerly Invitae), Labcorp and OMIM); PubMed 11857544 (cited by Labcorp Genetics (formerly Invitae), Labcorp); PubMed 8751863 (cited by OMIM).